The following is an entry in ClinVar:

ClinVar aggregate classification (germline): Likely benign. Review status: criteria provided, single submitter (1 of 4 stars). 2 submissions from 2 submitters: Likely benign (1). 1 of the submissions does not count toward it. Last evaluated 2025-12-29.

Conditions:
PLVAP-related disorder. Also called: PLVAP-related condition.

Allele frequency attached by ClinVar (database versions not stated): gnomAD exomes 0.00001; gnomAD 0.00003; TOPMed 0.00003.
gnomAD v4.1: 16 of 1,613,516 alleles (0.00099%); highest among the groups gnomAD compares: South Asian, 0.0022%; no homozygotes.

Submissions (2):

Labcorp Genetics (formerly Invitae), Labcorp
Classification: Likely benign. Last evaluated: 2025-12-29. Review status: criteria provided, single submitter. Criteria: Invitae Variant Classification Sherloc (09022015). Collection method: clinical testing. Allele origin: germline.

PreventionGenetics, part of Exact Sciences
Classification: Likely benign for PLVAP-related condition. Last evaluated: 2019-06-20. Review status: no assertion criteria provided. Collection method: clinical testing. Allele origin: germline. Not counted in ClinVar's aggregate classification.
Comment: This variant is classified as likely benign based on ACMG/AMP sequence variant interpretation guidelines (Richards et al. 2015 PMID: 25741868, with internal and published modifications).

NM_031310.3(PLVAP):c.831C>T (p.Ser277=)

Gene: PLVAP (plasmalemma vesicle associated protein; minus strand). Cytogenetic location: 19p13.11.
Variant type: single nucleotide variant.
Coding change: c.831C>T on transcript NM_031310.3 (MANE Select); coding-DNA position 831, C replaced by T.
Protein change: p.Ser277=; no amino-acid change (serine 277 retained).
Molecular consequence: synonymous variant.
Genome position (GRCh38, 1-based): chr19:17,365,634, G>A on the plus strand (C>T on the coding strand, the complement: PLVAP is on the minus strand). VCF-style: chr19-17365634-G-A. GRCh37 (hg19) VCF-style: chr19-17476443-G-A.
Other names: c.831C>T (NM_031310.2).
Identifiers: ClinVar variation 2097943 (VCV002097943.6), dbSNP rs1028607662, ClinGen allele CA306065771.